The following is an entry in ClinVar:

ClinVar aggregate classification (germline): Pathogenic/Likely pathogenic. Review status: criteria provided, multiple submitters, no conflicts (2 of 4 stars). 9 submissions from 9 submitters: Pathogenic (4); Likely pathogenic (4). 1 of the submissions does not count toward it. Last evaluated 2026-09-25.

Conditions:
Mitochondrial complex I deficiency. Also called: NADH:Q(1) OXIDOREDUCTASE DEFICIENCY. Identifiers: Orphanet 2609, MedGen C1838979, MeSH C537475, MONDO:0100133.
Possible mitochondrial disorder - nuclear genes.
ACAD9-related disorder. Also called: ACAD9-related condition.
Acyl-CoA dehydrogenase 9 deficiency. Also called: MITOCHONDRIAL COMPLEX I DEFICIENCY, NUCLEAR TYPE 20; Acyl-CoA dehydrogenase family, member 9, deficiency of. Identifiers: Orphanet 99901, MedGen C4747517, MONDO:0012624, OMIM 611126.

gnomAD v4.1: 206 of 1,614,058 alleles (0.013%); highest among the groups gnomAD compares: Non-Finnish European, 0.017%; no homozygotes.

Submissions (9):

GeneDx
Classification: Likely pathogenic. Last evaluated: 2026-09-25. Review status: criteria provided, single submitter. Criteria: GeneDx Variant Classification Process June 2021. Collection method: clinical testing. Allele origin: germline.
Comment: Not observed at significant frequency in large population cohorts (gnomAD); In silico analysis supports that this missense variant has a deleterious effect on protein structure/function; This variant is associated with the following publications: (PMID: 21057504, 22277967, 25721401, 26669660, 29142257, 22200994, 30025539)

Genetics Laboratory, Great Ormond Street Hospital NHS Foundation Trust, North Thames Genomic Laboratory Hub
Classification: Likely pathogenic for Possible mitochondrial disorder - nuclear genes. Last evaluated: 2025-08-20. Review status: criteria provided, single submitter. Criteria: ACGS Best Practice Guidelines for Variant Classification in Rare Disease 2024 v1.2. Collection method: clinical testing. Allele origin: germline. Affected: yes.
Comment: PS4_supporting, PM2_moderate, PP3_supporting, PS3_moderate

Natera, Inc.
Classification: Pathogenic for ACAD9 deficiency. Last evaluated: 2025-07-09. Review status: criteria provided, single submitter. Criteria: Natera Variant Classification Schema (03/2026). Collection method: clinical testing. Allele origin: germline.
Comment: The c.976G>C variant in ACAD9 is a missense variant predicted to cause substitution of alanine to proline at amino acid 326. This variant is rare in the general population with a frequency below the threshold expected for the associated phenotype(s). This variant has been observed in one or more individuals affected with the associated recessive disease, as either homozygous or compound heterozygous with a second variant (PMID: 29142257, 26669660, 25721401, 21057504). Computational prediction algorithms indicate this variant is likely to affect gene or protein function. Given the available evidence, this variant is classified as Pathogenic.

Labcorp Genetics (formerly Invitae), Labcorp
Classification: Pathogenic. Last evaluated: 2025-01-06. Review status: criteria provided, single submitter. Criteria: Invitae Variant Classification Sherloc (09022015). Collection method: clinical testing. Allele origin: germline.
Comment: This sequence change replaces alanine, which is neutral and non-polar, with proline, which is neutral and non-polar, at codon 326 of the ACAD9 protein (p.Ala326Pro). This variant is present in population databases (rs115532916, gnomAD 0.01%). This missense change has been observed in individuals with ACAD9-related disease (PMID: 21057504, 22200994, 22277967, 26669660, 30025539). ClinVar contains an entry for this variant (Variation ID: 30883). Invitae Evidence Modeling of protein sequence and biophysical properties (such as structural, functional, and spatial information, amino acid conservation, physicochemical variation, residue mobility, and thermodynamic stability) indicates that this missense variant is expected to disrupt ACAD9 protein function with a positive predictive value of 80%. Experimental studies have shown that this missense change affects ACAD9 function (PMID: 25721401). For these reasons, this variant has been classified as Pathogenic.

Illumina Laboratory Services, Illumina
Classification: Pathogenic for Acyl-CoA dehydrogenase 9 deficiency. Last evaluated: 2024-02-10. Review status: criteria provided, single submitter. Criteria: ICSLVariantClassificationCriteria RUGD 01 April 2020. Collection method: clinical testing. Allele origin: unknown.

Women's Health and Genetics/Laboratory Corporation of America, LabCorp
Classification: Pathogenic for Mitochondrial complex I deficiency. Last evaluated: 2021-08-19. Review status: criteria provided, single submitter. Criteria: LabCorp Variant Classification Summary - May 2015. Collection method: clinical testing. Allele origin: germline.
Comment: Variant summary: ACAD9 c.976G>C (p.Ala326Pro) results in a non-conservative amino acid change located in the Acyl-CoA dehydrogenase/oxidase C-terminal domian (IPR009075) of the encoded protein sequence. Five of five in-silico tools predict a damaging effect of the variant on protein function. The variant allele was found at a frequency of 5.2e-05 in 251452 control chromosomes (gnomAD). This frequency is not higher than expected for a pathogenic variant in ACAD9 causing Mitochondrial Complex I Deficiency (5.2e-05 vs 0.0011), allowing no conclusion about variant significance. c.976G>C has been reported in the literature in multiple individuals affected with Mitochondrial Complex I Deficiency (Haack_2011, Schiff_2015, Repp_2018). These data indicate that the variant is very likely to be associated with disease. At least one in vitro study reports experimental evidence evaluating an impact on protein function and this variant results in the loss of enzyme ACAD activity (Schiff _2015). Two ClinVar submitters (evaluation after 2014) cite the variant as benign and pathogenic. Based on the evidence outlined above, the variant was classified as pathogenic.

MGZ Medical Genetics Center
Classification: Likely pathogenic for Acyl-CoA dehydrogenase 9 deficiency. Last evaluated: 2021-08-09. Review status: criteria provided, single submitter. Criteria: ACMG Guidelines, 2015. Collection method: clinical testing. Allele origin: germline. Affected: yes. Observed: 1 variant allele.
Comment: ACMG criteria applied: PM3_STR, PS3_SUP, PM2_SUP, PP3

Blueprint Genetics
Classification: Likely pathogenic for ACAD9-related disorders. Last evaluated: 2018-11-27. Review status: criteria provided, single submitter. Criteria: ACMG Guidelines, 2015. Collection method: clinical testing. Allele origin: germline. Affected: yes. Observed: 4 variant alleles.

OMIM
Classification: Pathogenic for MITOCHONDRIAL COMPLEX I DEFICIENCY, NUCLEAR TYPE 20. Last evaluated: 2010-12-01. Review status: no assertion criteria provided. Collection method: literature only. Allele origin: germline. Not counted in ClinVar's aggregate classification.

Literature cited by the submitters: PubMed 29142257 (cited by Natera, Inc.); PubMed 26669660 (cited by Natera, Inc. and Labcorp Genetics (formerly Invitae), Labcorp); PubMed 25721401 (cited by 3 submitters); PubMed 21057504 (cited by 3 submitters); PubMed 22200994 (cited by Labcorp Genetics (formerly Invitae), Labcorp and Women's Health and Genetics/Laboratory Corporation of America, LabCorp); PubMed 22277967 (cited by Labcorp Genetics (formerly Invitae), Labcorp); PubMed 30025539 (cited by Labcorp Genetics (formerly Invitae), Labcorp and Women's Health and Genetics/Laboratory Corporation of America, LabCorp).

NM_014049.5(ACAD9):c.976G>C (p.Ala326Pro)

Gene: ACAD9 (acyl-CoA dehydrogenase family member 9; plus strand). Cytogenetic location: 3q21.3.
Variant type: single nucleotide variant.
Coding change: c.976G>C on transcript NM_014049.5 (MANE Select); coding-DNA position 976, G replaced by C.
Protein change: p.Ala326Pro; replaces alanine 326 with proline.
Molecular consequence: missense variant. On other transcripts: non-coding transcript variant (1).
Genome position (GRCh38, 1-based): chr3:128,904,079, G>C. VCF-style: chr3-128904079-G-C. GRCh37 (hg19) VCF-style: chr3-128622922-G-C.
Other names: p.A326P:GCC>CCC; short protein forms A326P.
Identifiers: ClinVar variation 30883 (VCV000030883.30), dbSNP rs115532916, ClinGen allele CA129519.